The following is an entry in ClinVar:

NM_000388.4(CASR):c.659G>T (p.Arg220Leu)

Gene: CASR (calcium sensing receptor; plus strand). Cytogenetic location: 3q21.1.
Variant type: single nucleotide variant.
Coding change: c.659G>T on transcript NM_000388.4 (MANE Select); coding-DNA position 659, G replaced by T.
Protein change: p.Arg220Leu; replaces arginine 220 with leucine.
Molecular consequence: missense variant.
Genome position (GRCh38, 1-based): chr3:122,261,694, G>T. VCF-style: chr3-122261694-G-T. GRCh37 (hg19) VCF-style: chr3-121980541-G-T.
Other names: c.659G>T, p.Arg220Leu (NM_001178065.2); short protein forms R220L.
Identifiers: ClinVar variation 3759656 (VCV003759656.2).
Genomic context (GRCh38, chr3:122,261,694, plus strand): 5'-TCATCGAGTATTTCCGCTGGAACTGGGTGGGCACAATTGCAGCTGATGACGACTATGGGC[G>T]GCCGGGGATTGAGAAATTCCGAGAGGAAGCTGAGGAAAGGGATATCTGCATCGACTTCAG-3'
Protein context (NP_000379.3, residues 210-230): GTIAADDDYG[Arg220Leu]PGIEKFREEA

ClinVar aggregate classification (germline): Uncertain significance (1 of 4 stars; one submission).

Conditions:
Autosomal dominant hypocalcemia 1 (HYPOC1). Also called: HYPOCALCEMIA, FAMILIAL. Identifiers: MedGen C3715128, MONDO:0011013, OMIM 601198.
Familial hypocalciuric hypercalcemia (FHH). Also called: Familial benign hypercalcemia. Identifiers: Orphanet 405, MedGen C1809471, MONDO:0018458.

Submission:

Labcorp Genetics (formerly Invitae), Labcorp
Classification: Uncertain significance for Familial hypocalciuric hypercalcemia; Autosomal dominant hypocalcemia 1. Last evaluated: 2024-10-31. Review status: criteria provided, single submitter. Criteria: Invitae Variant Classification Sherloc (09022015). Collection method: clinical testing. Allele origin: germline.
Comment: This sequence change replaces arginine, which is basic and polar, with leucine, which is neutral and non-polar, at codon 220 of the CASR protein (p.Arg220Leu). This variant is not present in population databases (gnomAD no frequency). This variant has not been reported in the literature in individuals affected with CASR-related conditions. An algorithm developed to predict the effect of missense changes on protein structure and function (PolyPhen-2) suggests that this variant is likely to be disruptive. This variant disrupts the p.Arg220 amino acid residue in CASR. Other variant(s) that disrupt this residue have been determined to be pathogenic (PMID: 10885494, 11763315, 11889203, 17974727, 19102677, 22142470, 22192860, 22422767). This suggests that this residue is clinically significant, and that variants that disrupt this residue are likely to be disease-causing. In summary, the available evidence is currently insufficient to determine the role of this variant in disease. Therefore, it has been classified as a Variant of Uncertain Significance.

Literature cited by the submitters: PubMed 10885494; PubMed 11763315; PubMed 11889203; PubMed 17974727; PubMed 19102677; PubMed 22142470; PubMed 22192860; PubMed 22422767.